The following is an entry in ClinVar:

NM_000038.6(APC):c.4078T>C (p.Ser1360Pro)

Gene: APC (APC regulator of Wnt signaling pathway; plus strand). Cytogenetic location: 5q22.2.
Variant type: single nucleotide variant.
Coding change: c.4078T>C on transcript NM_000038.6 (MANE Select); coding-DNA position 4078, T replaced by C.
Protein change: p.Ser1360Pro; replaces serine 1360 with proline.
Molecular consequence: missense variant. On other transcripts: non-coding transcript variant (2).
Genome position (GRCh38, 1-based): chr5:112,839,672, T>C. VCF-style: chr5-112839672-T-C. GRCh37 (hg19) VCF-style: chr5-112175369-T-C.
Other names: c.4132T>C, p.Ser1378Pro (NM_001354896.2, NM_001407447.1, NM_001407448.1 and 1 more transcripts); c.4108T>C, p.Ser1370Pro (NM_001354897.2); c.4003T>C, p.Ser1335Pro (NM_001354898.2); c.3994T>C, p.Ser1332Pro (NM_001354899.2); c.3955T>C, p.Ser1319Pro (NM_001354900.2); c.3901T>C, p.Ser1301Pro (NM_001354901.2, NM_001407453.1); c.3805T>C, p.Ser1269Pro (NM_001354902.2); c.3775T>C, p.Ser1259Pro (NM_001354903.2, NM_001407458.1, NM_001407459.1 and 1 more transcripts); and 11 more; short protein forms S1200P, S1269P, S1335P, S1342P, S1360P, S976P, S1077P, S1231P.
Identifiers: ClinVar variation 3928114 (VCV003928114.1).
Genomic context (GRCh38, chr5:112,839,672, plus strand): 5'-TCTAGTTTATCTTCAGAATCAGCCAGGCACAAAGCTGTTGAATTTTCTTCAGGAGCGAAA[T>C]CTCCCTCCAAAAGTGGTGCTCAGACACCCAAAAGTCCACCTGAACACTATGTTCAGGAGA-3'
Protein context (NP_000029.2, residues 1350-1370): KAVEFSSGAK[Ser1360Pro]PSKSGAQTPK

ClinVar aggregate classification (germline): Uncertain significance (1 of 4 stars; one submission).

Conditions:
Hereditary cancer-predisposing syndrome. Also called: Hereditary Cancer Syndrome; Hereditary neoplastic syndrome; Neoplastic Syndromes, Hereditary; Tumor predisposition. Identifiers: Orphanet 140162, MedGen C0027672, MeSH D009386, MONDO:0015356.

Submission:

Ambry Genetics
Classification: Uncertain significance for Hereditary cancer-predisposing syndrome. Last evaluated: 2025-03-22. Review status: criteria provided, single submitter. Criteria: Ambry Variant Classification Scheme 2023. Collection method: clinical testing. Allele origin: germline.
Comment: The p.S1360P variant (also known as c.4078T>C), located in coding exon 15 of the APC gene, results from a T to C substitution at nucleotide position 4078. The serine at codon 1360 is replaced by proline, an amino acid with similar properties. This amino acid position is conserved. In addition, in silico predictors for this gene do not accurately predict pathogenicity. Based on the available evidence, the clinical significance of this variant remains unclear.